The following is an entry in ClinVar:

NM_006441.4(MTHFS):c.117+100C>G

Genes: MTHFS (methenyltetrahydrofolate synthetase; minus strand), ST20-MTHFS (ST20-MTHFS readthrough; minus strand). Cytogenetic location: 15q25.1.
Variant type: single nucleotide variant.
Coding change: c.117+100C>G on transcript NM_006441.4 (MANE Select); 100 bases into the intron after coding-DNA position 117, C replaced by G.
Molecular consequence: intron variant.
Genome position (GRCh38, 1-based): chr15:79,896,772, G>C on the plus strand (C>G on the coding strand, the complement: MTHFS is on the minus strand). VCF-style: chr15-79896772-G-C. GRCh37 (hg19) VCF-style: chr15-80189114-G-C.
Other names: c.46-7418C>G (NM_001199760.2); c.-55+389C>G (NM_001199758.1).
Identifiers: ClinVar variation 3776268 (VCV003776268.1).

ClinVar aggregate classification (germline): Uncertain significance (1 of 4 stars; one submission).

Conditions:
Neurodevelopmental disorder with microcephaly, epilepsy, and hypomyelination. Identifiers: Orphanet 597874, MedGen C5193057, MONDO:0032705, OMIM 618367.

gnomAD v4.1: 26 of 1,466,072 alleles (0.0018%); highest among the groups gnomAD compares: African/African-American, 0.013%; 1 homozygote.

Submission:

3billion
Classification: Uncertain significance for Neurodevelopmental disorder with microcephaly, epilepsy, and hypomyelination. Last evaluated: 2023-08-21. Review status: criteria provided, single submitter. Criteria: ACMG Guidelines, 2015. Collection method: clinical testing. Allele origin: germline. Affected: yes.
Comment: The variant is observed at an extremely low frequency in the gnomAD v2.1.1 dataset (total allele frequency: 0.001%). Predicted Consequence/Location: Intron variant In silico tools predict the variant to alter splicing and produce an abnormal transcript [SpliceAI: 0.92 (>=0.2, moderate evidence for spliceogenicity)]. Therefore, this variant is classified as VUS according to the recommendation of ACMG/AMP guideline.